The following is an entry in ClinVar:

NM_001287491.2(TET3):c.3089C>T (p.Pro1030Leu)

Gene: TET3 (tet methylcytosine dioxygenase 3; plus strand). Cytogenetic location: 2p13.1.
Variant type: single nucleotide variant.
Coding change: c.3089C>T on transcript NM_001287491.2 (MANE Select); coding-DNA position 3089, C replaced by T.
Protein change: p.Pro1030Leu; replaces proline 1030 with leucine.
Molecular consequence: missense variant.
Genome position (GRCh38, 1-based): chr2:74,092,951, C>T. VCF-style: chr2-74092951-C-T. GRCh37 (hg19) VCF-style: chr2-74320078-C-T.
Other names: c.2810C>T, p.Pro937Leu (NM_001366022.1); short protein forms P1030L, P937L.
Identifiers: ClinVar variation 5040621 (VCV005040621.1).

ClinVar aggregate classification (germline): Uncertain significance (1 of 4 stars; one submission).

Submission:

CeGaT Center for Human Genetics Tuebingen
Classification: Uncertain significance. Last evaluated: 2026-08-01. Review status: criteria provided, single submitter. Criteria: CeGaT Center For Human Genetics Tuebingen Variant Classification Criteria Version 2. Collection method: clinical testing. Allele origin: germline. Affected: yes. Observed: 1 variant allele.
Comment: TET3: PM2, PS2:Moderate, PP2